The following is an entry in ClinVar:

ClinVar aggregate classification (germline): Pathogenic. Review status: criteria provided, multiple submitters, no conflicts (2 of 4 stars). 6 submissions from 6 submitters: Pathogenic (5). 1 of the submissions does not count toward it. Last evaluated 2025-08-04.

Conditions:
Rare genetic deafness. Identifiers: Orphanet 96210, MedGen C5680250.
Retinal disorder. Also called: Retinopathy; Retinopathies; Retinal Diseases; Retinal disorders. Identifiers: MedGen C0035309, MONDO:0005283, HP:0000488.
Usher syndrome type 2A. Also called: RETINAL DISEASE IN USHER SYNDROME TYPE IIA, MODIFIER OF; USHER SYNDROME, TYPE IIA. Identifiers: Orphanet 231178, Orphanet 886, MedGen C1848634, MONDO:0010169, OMIM 276901.

Submissions (6):

Natera, Inc.
Classification: Pathogenic for Usher syndrome type 2A. Last evaluated: 2025-08-04. Review status: criteria provided, single submitter. Criteria: Natera Variant Classification Schema (03/2026). Collection method: clinical testing. Allele origin: germline.
Comment: The c.4133_4134dup variant in USH2A is a frameshift variant predicted to shift the reading frame beginning at codon 1379 and leads to a stop codon 54 codons downstream. This variant is expected to result in nonsense mediated decay, truncation, or a dysfunctional protein product. This variant is rare in the general population with a frequency below the threshold expected for the associated phenotype(s). This variant has been observed in one or more individuals affected with the associated recessive disease, as either homozygous or compound heterozygous with a second variant (PMID: 33089500). Given the available evidence, this variant is classified as Pathogenic.

Labcorp Genetics (formerly Invitae), Labcorp
Classification: Pathogenic. Last evaluated: 2024-01-21. Review status: criteria provided, single submitter. Criteria: Invitae Variant Classification Sherloc (09022015). Collection method: clinical testing. Allele origin: germline.
Comment: This sequence change creates a premature translational stop signal (p.Asn1379Serfs*54) in the USH2A gene. It is expected to result in an absent or disrupted protein product. Loss-of-function variants in USH2A are known to be pathogenic (PMID: 10729113, 10909849, 20507924, 25649381). This variant is not present in population databases (gnomAD no frequency). This premature translational stop signal has been observed in individual(s) with Usher syndrome (PMID: 33089500). ClinVar contains an entry for this variant (Variation ID: 48512). For these reasons, this variant has been classified as Pathogenic.

Genome-Nilou Lab
Classification: Pathogenic for Usher syndrome type 2A. Last evaluated: 2023-11-04. Review status: criteria provided, single submitter. Criteria: ACMG Guidelines, 2015. Collection method: clinical testing. Allele origin: germline. Affected: no.

AURAGEN, Plan France Médecine Génomique
Classification: Pathogenic for Retinal disorder. Last evaluated: 2022-04-01. Review status: criteria provided, single submitter. Criteria: PFMG2025 (Lancet Reg Health Eur. 2025). Collection method: clinical testing. Allele origin: germline. Affected: yes.

Laboratory for Molecular Medicine, Mass General Brigham Personalized Medicine
Classification: Pathogenic for Rare genetic deafness. Last evaluated: 2011-09-17. Review status: criteria provided, single submitter. Criteria: LMM Criteria. Collection method: clinical testing. Allele origin: germline. Observed: 1 variant allele.
Comment: The Asn1379fs variant in USH2A has not been reported in the literature nor previ ously identified by our laboratory. The Asn1379fs variant is predicted to cause a frameshift, which alters the protein's amino acid sequence beginning at codon 1379 and leads to a premature stop codon 54 codons downstream. This alteration i s then predicted to lead to a truncated or absent protein. In summary, this vari ant meets our criteria to be classified as pathogenic.

National Institute on Deafness and Communication Disorders, National Institutes of Health
Classification: Pathogenic for Usher syndrome type 2A. Last evaluated: 2019-12-10. Review status: no assertion criteria provided. Collection method: research. Allele origin: germline. Affected: yes. Observed: 1 compound heterozygote. Segregation with disease observed. Not counted in ClinVar's aggregate classification.

Literature cited by the submitters: PubMed 33089500 (cited by Natera, Inc. and Labcorp Genetics (formerly Invitae), Labcorp); PubMed 10729113 (cited by Labcorp Genetics (formerly Invitae), Labcorp); PubMed 10909849 (cited by Labcorp Genetics (formerly Invitae), Labcorp); PubMed 20507924 (cited by Labcorp Genetics (formerly Invitae), Labcorp); PubMed 25649381 (cited by Labcorp Genetics (formerly Invitae), Labcorp).

NM_206933.4(USH2A):c.4133_4134dup (p.Asn1379fs)

Genes: USH2A (usherin; minus strand), USH2A-AS1 (USH2A antisense RNA 1; plus strand). Cytogenetic location: 1q41.
Variant type: Microsatellite.
Coding change: c.4133_4134dup on transcript NM_206933.4 (MANE Select); coding-DNA positions 4133 to 4134, 2 bases duplicated (TC; older notation c.4133_4134dupTC).
Protein change: p.Asn1379fs; shifts the reading frame from asparagine 1379.
Molecular consequence: frameshift variant.
Genome position (GRCh38, 1-based): chr1:216,196,670-216,196,671, GA duplicated on the plus strand (TC on the coding strand, the reverse complement: USH2A is on the minus strand); duplicating any 2 consecutive bases within chr1:216,196,670-216,196,676 gives the same sequence; the c. name uses the placement nearest the transcript's 3' end. VCF-style (leftmost placement, unchanged base first): chr1-216196669-T-TGA. GRCh37 (hg19) VCF-style: chr1-216370011-T-TGA.
Other names: p.Asn1379fs; c.4133_4134dupTC (NM_206933.3); c.4133_4134dup, p.Asn1379fs (NM_007123.6); c.4133_4134dup (NM_206933.2); short protein forms N1379fs.
Identifiers: ClinVar variation 48512 (VCV000048512.18), dbSNP rs397518015, ClinGen allele CA262103.